The following is an entry in ClinVar:

ClinVar aggregate classification (germline): Likely pathogenic. Review status: no assertion criteria provided (0 of 4 stars). 3 submissions from 3 submitters: Likely pathogenic (2). 1 of the submissions does not count toward it.

Conditions:
Tip-toe gait. Also called: Toe walking. Identifiers: MedGen C0427144, HP:0030051.

Submissions (3):

Clinical Genetics, Academic Medical Center
Classification: Likely pathogenic. Review status: no assertion criteria provided. Collection method: clinical testing. Allele origin: germline. Affected: yes. Study: VKGL Data-share Consensus.

Diagnostic Laboratory, Department of Genetics, University Medical Center Groningen
Classification: Likely pathogenic. Review status: no assertion criteria provided. Collection method: clinical testing. Allele origin: germline. Affected: yes. Study: VKGL Data-share Consensus.

Practice for Gait Abnormalities, David Pomarino, Competency Network Toe Walking C/o Practice Pomarino
Classification: Likely pathogenic for Tip-toe gait. Last evaluated: 2021-11-18. Review status: flagged submission. Collection method: clinical testing. Allele origin: germline. Affected: yes. Not counted in ClinVar's aggregate classification.
Comment: Myopathy refers to diseases that affect skeletal Muscles. These diseases attack muscle fibers, making muscles weak. Inherited myopathies are often caused by inheriting an abnormal gene mutation from a parent that causes the disease. Symptoms of congenital myopathies usually start at birth or in early childhood, but may not appear until the teen years or even later in adulthood. Congenital myopathies are somewhat unique compared with other inherited myopathies, as weakness typically affects all muscles and is often not progressive. Symptoms are: Muscle weakness, most commonly of upper arms and shoulders and thighs, muscle cramps, stiffness and spasms, fatigue with exertion and lack of energy. Our patients all walk on tiptoe, so they show similar symptoms. When we genetically test them with our toe walking panel, we find that around 90 per cent of them have a genetic variant that explains their toe walking. These can be assigned, for example, to the area of myopathies (such as variants of the COL6A3 gene), the area of hereditary neuropathies (such as variants of the KMT2C gene) or the area of metabolic diseases (such as variants of the PYGM gene). In a smaller group of patients with almost identical symptoms, no abnormality is found in the genes of our panel, but spastic paraplegia can be detected. In another small group of our toe walkers, no abnormalities can be detected in the genes analysed in our toe walking panel, nor do they suffer from spastic paraplegia, as is also the case with healthy children. In contrast to these, however, they show a tiptoe gait. These patients suffer from infantile cerebral palsy, in which toe walking can also be observed.
ClinVar note: Notes: This gene has insufficient supporting evidence for isolated Tip-Toe Gait.
ClinVar note: Reason: Claim with insufficient supporting evidence

Literature cited by the submitters: PubMed 37091313 (cited by Practice for Gait Abnormalities, David Pomarino, Competency Network Toe Walking C/o Practice Pomarino).

NM_001267550.2(TTN):c.54339del (p.Glu18113fs)

Genes: TTN (titin; minus strand), TTN-AS1 (TTN antisense RNA 1; plus strand). Cytogenetic location: 2q31.2.
Variant type: Deletion.
Coding change: c.54339del on transcript NM_001267550.2 (MANE Select); coding-DNA position 54339, one base deleted (A; older notation c.54339delA).
Protein change: p.Glu18113fs; shifts the reading frame from glutamic acid 18113.
Molecular consequence: frameshift variant. On other transcripts: non-coding transcript variant (1).
Genome position (GRCh38, 1-based): chr2:178,604,750, T deleted on the plus strand (A on the coding strand, the reverse complement: TTN is on the minus strand); the first of 2 consecutive T bases (chr2:178,604,750-178,604,751); deleting either gives the same sequence. VCF-style (leftmost placement, unchanged base first): chr2-178604749-AT-A. GRCh37 (hg19) VCF-style: chr2-179469476-AT-A.
Other names: c.49416del, p.Glu16472fs (NM_001256850.1); c.27144del, p.Glu9048fs (NM_003319.4); c.46635del, p.Glu15545fs (NM_133378.4); c.27519del, p.Glu9173fs (NM_133432.3); c.27720del, p.Glu9240fs (NM_133437.4); c.54339delA (NM_001267550.2); short protein forms E15545fs, E16472fs, E18113fs, E9048fs, E9173fs, E9240fs.
Identifiers: ClinVar variation 1284582 (VCV001284582.5), dbSNP rs796122911, ClinGen allele CA60980145.